The following is an entry in ClinVar:

ClinVar aggregate classification (germline): Benign. Review status: criteria provided, multiple submitters, no conflicts (2 of 4 stars). 8 submissions from 8 submitters: Benign (5). 3 of the submissions do not count toward it. Last evaluated 2022-03-24.

Conditions:
Arthrogryposis, distal, type 1B. Identifiers: Orphanet 1146, MedGen C3280526, MONDO:0013698, OMIM 614335.

Allele frequency attached by ClinVar (database versions not stated): 1000 Genomes Project 0.18071; gnomAD 0.20237 and 0.20256; TOPMed 0.20473; ESP Exome Variant Server 0.21767; 1000 Genomes Project 30x 0.18332.
gnomAD v4.1: 318,385 of 1,563,424 alleles (20%); highest among the groups gnomAD compares: Middle Eastern, 32%; 33,982 homozygotes.

Submissions (8):

Mayo Clinic Laboratories, Mayo Clinic
Classification: Benign. Last evaluated: 2022-03-24. Review status: criteria provided, single submitter. Criteria: ACMG Guidelines, 2015. Collection method: clinical testing. Allele origin: germline. Observed: 96 variant alleles.

GeneDx
Classification: Benign. Last evaluated: 2018-11-12. Review status: criteria provided, single submitter. Criteria: GeneDx Variant Classification Process June 2021. Collection method: clinical testing. Allele origin: germline. Affected: yes.

Illumina Laboratory Services, Illumina
Classification: Benign for Arthrogryposis, distal, type 1B. Last evaluated: 2018-01-12. Review status: criteria provided, single submitter. Criteria: ICSL Variant Classification Criteria 13 December 2019. Collection method: clinical testing. Allele origin: germline.
Comment: This variant was observed in the ICSL laboratory as part of a predisposition screen in an ostensibly healthy population. It had not been previously curated by ICSL or reported in the Human Gene Mutation Database (HGMD: prior to June 1st, 2018), and was therefore a candidate for classification through an automated scoring system. Utilizing variant allele frequency, disease prevalence and penetrance estimates, and inheritance mode, an automated score was calculated to assess if this variant is too frequent to cause the disease. Based on the score and internal cut-off values, a variant classified as benign is not then subjected to further curation. The score for this variant resulted in a classification of benign for this disease.

Breakthrough Genomics
Classification: Benign. Review status: criteria provided, single submitter. Criteria: ACMG Guidelines, 2015. Collection method: not provided. Allele origin: germline. Inheritance: Autosomal recessive inheritance. Affected: yes.

PreventionGenetics, part of Exact Sciences
Classification: Benign. Review status: criteria provided, single submitter. Criteria: ACMG Guidelines, 2015. Collection method: clinical testing. Allele origin: germline.

Clinical Genetics, Academic Medical Center
Classification: Benign. Review status: no assertion criteria provided. Collection method: clinical testing. Allele origin: germline. Affected: yes. Study: VKGL Data-share Consensus. Not counted in ClinVar's aggregate classification.

Genetic Services Laboratory, University of Chicago
Classification: Likely benign for AllHighlyPenetrant. Review status: no assertion criteria provided. Collection method: clinical testing. Allele origin: germline. Inheritance: Autosomal recessive inheritance. Not counted in ClinVar's aggregate classification.
Comment: Likely benign based on allele frequency in 1000 Genomes Project or ESP global frequency and its presence in a patient with a rare or unrelated disease phenotype. NOT Sanger confirmed.

Joint Genome Diagnostic Labs from Nijmegen and Maastricht, Radboudumc and MUMC+
Classification: Benign. Review status: no assertion criteria provided. Collection method: clinical testing. Allele origin: germline. Affected: yes. Study: VKGL Data-share Consensus. Not counted in ClinVar's aggregate classification.

NM_002465.4(MYBPC1):c.556+10C>G

Gene: MYBPC1 (myosin binding protein C1; plus strand). Cytogenetic location: 12q23.2.
Variant type: single nucleotide variant.
Coding change: c.556+10C>G on transcript NM_002465.4 (MANE Select); 10 bases into the intron after coding-DNA position 556, C replaced by G.
Molecular consequence: intron variant.
Genome position (GRCh38, 1-based): chr12:101,632,148, C>G. VCF-style: chr12-101632148-C-G. GRCh37 (hg19) VCF-style: chr12-102025926-C-G.
Other names: p.?; c.556+10C>G (NM_206819.4, NM_001404675.1); c.481+10C>G (NM_001254718.3, NM_206820.4, NM_001254719.3 and 4 more transcripts); c.445+10C>G (NM_001254720.3); c.442+10C>G (NM_001254723.3); c.403+10C>G (NM_001254722.3, NM_001404680.1, NM_001404679.1 and 2 more transcripts).
Identifiers: ClinVar variation 129646 (VCV000129646.18), dbSNP rs61935677, ClinGen allele CA153770.